The following is an entry in ClinVar:

ClinVar aggregate classification (germline): Uncertain significance (1 of 4 stars; one submission).

Conditions:
Primary dilated cardiomyopathy (DCM). Also called: Dilated Cardiomyopathy. Identifiers: Orphanet 217604, MedGen C0007193, MeSH D002311, MONDO:0005021, HP:0001644. Inheritance: Various modes of inheritance.

Submission:

Labcorp Genetics (formerly Invitae), Labcorp
Classification: Uncertain significance for Primary dilated cardiomyopathy. Last evaluated: 2025-03-31. Review status: criteria provided, single submitter. Criteria: Invitae Variant Classification Sherloc (09022015). Collection method: clinical testing. Allele origin: germline.
Comment: This sequence change replaces valine, which is neutral and non-polar, with leucine, which is neutral and non-polar, at codon 360 of the TXNRD2 protein (p.Val360Leu). This variant is not present in population databases (gnomAD no frequency). This variant has not been reported in the literature in individuals affected with TXNRD2-related conditions. ClinVar contains an entry for this variant (Variation ID: 2710613). Invitae Evidence Modeling of protein sequence and biophysical properties (such as structural, functional, and spatial information, amino acid conservation, physicochemical variation, residue mobility, and thermodynamic stability) indicates that this missense variant is not expected to disrupt TXNRD2 protein function with a negative predictive value of 80%. In summary, the available evidence is currently insufficient to determine the role of this variant in disease. Therefore, it has been classified as a Variant of Uncertain Significance.

NM_006440.5(TXNRD2):c.1078G>C (p.Val360Leu)

Gene: TXNRD2 (thioredoxin reductase 2; minus strand). Cytogenetic location: 22q11.21.
Variant type: single nucleotide variant.
Coding change: c.1078G>C on transcript NM_006440.5 (MANE Select); coding-DNA position 1078, G replaced by C.
Protein change: p.Val360Leu; replaces valine 360 with leucine.
Molecular consequence: missense variant. On other transcripts: non-coding transcript variant (1).
Genome position (GRCh38, 1-based): chr22:19,883,333, C>G on the plus strand (G>C on the coding strand, the complement: TXNRD2 is on the minus strand). VCF-style: chr22-19883333-C-G. GRCh37 (hg19) VCF-style: chr22-19870856-C-G.
Other names: c.1075G>C, p.Val359Leu (NM_001352300.2); c.988G>C, p.Val330Leu (NM_001352301.2); c.790G>C, p.Val264Leu (NM_001352302.2); short protein forms V359L, V264L, V330L, V360L.
Identifiers: ClinVar variation 2710613 (VCV002710613.3), dbSNP rs747350610, ClinGen allele CA410682562.